The following is an entry in ClinVar:

ClinVar aggregate classification (germline): Uncertain significance. Review status: criteria provided, single submitter (1 of 4 stars). 2 submissions from 2 submitters: Uncertain significance (1). 1 of the submissions does not count toward it. Last evaluated 2021-07-06.

Conditions:
LRPAP1-related disorder. Also called: LRPAP1-related condition.

Allele frequency attached by ClinVar (database versions not stated): 1000 Genomes Project 30x 0.00094; 1000 Genomes Project 0.00100.
gnomAD v4.1: 179 of 1,613,652 alleles (0.011%); highest among the groups gnomAD compares: East Asian, 0.39%; no homozygotes.

Submissions (2):

Ambry Genetics
Classification: Uncertain significance. Last evaluated: 2021-07-06. Review status: criteria provided, single submitter. Criteria: Ambry Variant Classification Scheme 2023. Collection method: clinical testing. Allele origin: germline.

PreventionGenetics, part of Exact Sciences
Classification: Likely benign for LRPAP1-related condition. Last evaluated: 2024-06-20. Review status: no assertion criteria provided. Collection method: clinical testing. Allele origin: germline. Not counted in ClinVar's aggregate classification.
Comment: This variant is classified as likely benign based on ACMG/AMP sequence variant interpretation guidelines (Richards et al. 2015 PMID: 25741868, with internal and published modifications).

NM_002337.4(LRPAP1):c.552C>A (p.His184Gln)

Gene: LRPAP1 (LDL receptor related protein associated protein 1; minus strand). Cytogenetic location: 4p16.3.
Variant type: single nucleotide variant.
Coding change: c.552C>A on transcript NM_002337.4 (MANE Select); coding-DNA position 552, C replaced by A.
Protein change: p.His184Gln; replaces histidine 184 with glutamine.
Molecular consequence: missense variant. On other transcripts: non-coding transcript variant (1).
Genome position (GRCh38, 1-based): chr4:3,518,911, G>T on the plus strand (C>A on the coding strand, the complement: LRPAP1 is on the minus strand). VCF-style: chr4-3518911-G-T. GRCh37 (hg19) VCF-style: chr4-3520638-G-T.
Other names: short protein forms H184Q.
Identifiers: ClinVar variation 2347559 (VCV002347559.3), dbSNP rs149133766, ClinGen allele CA2829951.
Genomic context (GRCh38, chr4:3,518,911, plus strand): 5'-GGGGTGGGGGCGGGGGGCACCTTCGGTCCTGCTCAGGGTCTCCAGCAGGACGTTGTACTC[G>T]TGAACTTTCTCTTTGTGATGCAGGAACTCCCGCCAGAGCTTGTCCAGTTCTTCGCCGGAG-3'
Protein context (NP_002328.1, residues 174-194): REFLHHKEKV[His184Gln]EYNVLLETLS